The following is an entry in ClinVar:

NM_001127222.2(CACNA1A):c.3609G>A (p.Glu1203=)

Gene: CACNA1A (calcium voltage-gated channel subunit alpha1 A; minus strand). Cytogenetic location: 19p13.13.
Variant type: single nucleotide variant.
Coding change: c.3609G>A on transcript NM_001127222.2 (MANE Select); coding-DNA position 3609, G replaced by A.
Protein change: p.Glu1203=; no amino-acid change (glutamic acid 1203 retained).
Molecular consequence: synonymous variant.
Genome position (GRCh38, 1-based): chr19:13,285,151, C>T on the plus strand (G>A on the coding strand, the complement: CACNA1A is on the minus strand). VCF-style: chr19-13285151-C-T. GRCh37 (hg19) VCF-style: chr19-13395965-C-T.
Other names: c.3621G>A, p.Glu1207= (NM_000068.4, NM_023035.3); c.3612G>A, p.Glu1204= (NM_001127221.2, NM_001174080.2); c.3609G>A (NM_001127222.1).
Identifiers: ClinVar variation 386981 (VCV000386981.16), dbSNP rs529584159, ClinGen allele CA9240259.

ClinVar aggregate classification (germline): Benign/Likely benign. Review status: criteria provided, multiple submitters, no conflicts (2 of 4 stars). 5 submissions from 5 submitters: Benign (1); Likely benign (3). 1 of the submissions does not count toward it. Last evaluated 2025-11-24.

Conditions:
Inborn genetic diseases. Identifiers: MedGen C0950123, MeSH D030342.
Episodic ataxia type 2 (EA2). Also called: ACETAZOLAMIDE-RESPONSIVE HEREDITARY PAROXYSMAL CEREBELLAR ATAXIA; ATAXIA, EPISODIC, WITH NYSTAGMUS; ATAXIA, FAMILIAL PAROXYSMAL; CEREBELLAR ATAXIA, PAROXYSMAL, ACETAZOLAMIDE-RESPONSIVE; CEREBELLOPATHY, HEREDITARY PAROXYSMAL; EPISODIC ATAXIA, NYSTAGMUS-ASSOCIATED. Identifiers: Orphanet 97, MedGen C1720416, MONDO:0007163, OMIM 108500.
Developmental and epileptic encephalopathy, 42 (DEE42A). Also called: Epileptic encephalopathy, early infantile, 42; DEVELOPMENTAL AND EPILEPTIC ENCEPHALOPATHY 42A; EPILEPTIC ENCEPHALOPATHY, EARLY INFANTILE, 42A. Identifiers: MedGen C4310716, MONDO:0014917, OMIM 617106.
CACNA1A-related disorder. Also called: CACNA1A-related condition.

Allele frequency attached by ClinVar (database versions not stated): TOPMed 0.00002; gnomAD exomes 0.00007 and 0.00011; gnomAD 0.00009 and below 0.00001; ExAC 0.00018; 1000 Genomes Project 30x 0.00062; 1000 Genomes Project 0.00080.
gnomAD v4.1: 115 of 1,613,946 alleles (0.0071%); highest among the groups gnomAD compares: South Asian, 0.12%; no homozygotes.

Submissions (5):

Labcorp Genetics (formerly Invitae), Labcorp
Classification: Benign for Developmental and epileptic encephalopathy, 42; Episodic ataxia type 2. Last evaluated: 2025-11-24. Review status: criteria provided, single submitter. Criteria: Invitae Variant Classification Sherloc (09022015). Collection method: clinical testing. Allele origin: germline.

Blueprint Genetics
Classification: Likely benign. Last evaluated: 2024-10-31. Review status: criteria provided, single submitter. Criteria: ACMG Guidelines, 2015. Collection method: clinical testing. Allele origin: germline.

GeneDx
Classification: Likely benign. Last evaluated: 2020-09-03. Review status: criteria provided, single submitter. Criteria: GeneDx Variant Classification Process June 2021. Collection method: clinical testing. Allele origin: germline. Affected: yes.

Ambry Genetics
Classification: Likely benign for Inborn genetic diseases. Last evaluated: 2018-02-14. Review status: criteria provided, single submitter. Criteria: Ambry Variant Classification Scheme 2023. Collection method: clinical testing. Allele origin: germline.

PreventionGenetics, part of Exact Sciences
Classification: Likely benign for CACNA1A-related condition. Last evaluated: 2020-01-03. Review status: no assertion criteria provided. Collection method: clinical testing. Allele origin: germline. Not counted in ClinVar's aggregate classification.
Comment: This variant is classified as likely benign based on ACMG/AMP sequence variant interpretation guidelines (Richards et al. 2015 PMID: 25741868, with internal and published modifications).